The following is an entry in ClinVar:

NM_173483.4(CYP4F22):c.177C>G (p.Phe59Leu)

Gene: CYP4F22 (cytochrome P450 family 4 subfamily F member 22; plus strand). Cytogenetic location: 19p13.12.
Variant type: single nucleotide variant.
Coding change: c.177C>G on transcript NM_173483.4 (MANE Select); coding-DNA position 177, C replaced by G.
Protein change: p.Phe59Leu; replaces phenylalanine 59 with leucine.
Molecular consequence: missense variant.
Genome position (GRCh38, 1-based): chr19:15,525,513, C>G. VCF-style: chr19-15525513-C-G. GRCh37 (hg19) VCF-style: chr19-15636324-C-G.
Other names: short protein forms F59L.
Identifiers: ClinVar variation 560326 (VCV000560326.14), dbSNP rs118091316, ClinGen allele CA9269479.

ClinVar aggregate classification (germline): Pathogenic/Likely pathogenic. Review status: criteria provided, multiple submitters, no conflicts (2 of 4 stars). 9 submissions from 9 submitters: Pathogenic (4); Likely pathogenic (3). 2 of the submissions do not count toward it. Last evaluated 2026-05-29.

Conditions:
Autosomal recessive congenital ichthyosis 5 (ARCI5). Also called: ICHTHYOSIS CONGENITA III; Ichthyosis, nonlamellar and nonerythrodermic, congenital, autosomal recessive. Identifiers: Orphanet 313, MedGen C1858133, MONDO:0011485, OMIM 604777.
CYP4F22-related disorder. Also called: CYP4F22-related condition.
Lamellar ichthyosis. Identifiers: Orphanet 313, MedGen C5848247, MONDO:0017778.

gnomAD v4.1: 7 of 1,612,186 alleles (0.00043%); highest among the groups gnomAD compares: Middle Eastern, 0.12%; no homozygotes.

Submissions (9):

PreventionGenetics, part of Exact Sciences
Classification: Likely pathogenic for CYP4F22-related condition. Last evaluated: 2026-05-29. Review status: criteria provided, single submitter. Criteria: ACMG Guidelines, 2015. Collection method: clinical testing. Allele origin: germline.
Comment: The CYP4F22 c.177C>G variant is predicted to result in the amino acid substitution p.Phe59Leu. This variant has been reported in the homozygous state in individuals with autosomal recessive congenital ichthyosis (Lefevre et al. 2006. PubMed ID: 16436457; Table S1, Monies et al. 2019. PubMed ID: 31130284; Table S2a, Seidl-Philipp et al. 2019. PubMed ID: 31642606; Table S2, Simpson et al. 2019. PubMed ID: 31168818). In vitro functional studies demonstrated that expression of this variant resulted in a decrease of omega-hydroxylase activity to <20% of the wild-type protein (Ohno et al. 2015. PubMed ID: 26056268). This variant is reported in 0.00088% of alleles in individuals of European (non-Finnish) descent in gnomAD, and is interpreted as pathogenic/likely pathogenic in the ClinVar database (Variation ID: 560326). This variant is interpreted as likely pathogenic.

Fulgent Genetics
Classification: Likely pathogenic for Autosomal recessive congenital ichthyosis 5. Last evaluated: 2024-05-18. Review status: criteria provided, single submitter. Criteria: ACMG Guidelines, 2015. Collection method: clinical testing. Allele origin: germline.

Women's Health and Genetics/Laboratory Corporation of America, LabCorp
Classification: Pathogenic for Lamellar ichthyosis. Last evaluated: 2024-05-16. Review status: criteria provided, single submitter. Criteria: LabCorp Variant Classification Summary - May 2015. Collection method: clinical testing. Allele origin: germline.
Comment: Variant summary: CYP4F22 c.177C>G (p.Phe59Leu) results in a non-conservative amino acid change in the encoded protein sequence. Five of five in-silico tools predict a damaging effect of the variant on protein function. The variant allele was found at a frequency of 4e-06 in 249736 control chromosomes. c.177C>G has been reported in the literature in the homozygous state in multiple individuals affected with Lamellar Ichthyosis (e.g. Lefevre_2006, Seidl-Philipp_2020, Mohamad_2021). These data indicate that the variant is very likely to be associated with disease. At least one functional study reports that the variant results in <20% activity compared to the wild-type protein (e.g. Ohno_2015). The following publications have been ascertained in the context of this evaluation (PMID: 16436457, 33786896, 26056268, 31642606). ClinVar contains an entry for this variant (Variation ID: 560326). Based on the evidence outlined above, the variant was classified as pathogenic.

Genomic Medicine Center of Excellence, King Faisal Specialist Hospital and Research Centre
Classification: Pathogenic for Autosomal recessive congenital ichthyosis 5. Last evaluated: 2024-03-17. Review status: criteria provided, single submitter. Criteria: ACMG Guidelines, 2015. Collection method: research. Allele origin: germline.

GeneDx
Classification: Pathogenic. Last evaluated: 2022-02-15. Review status: criteria provided, single submitter. Criteria: GeneDx Variant Classification Process June 2021. Collection method: clinical testing. Allele origin: germline. Affected: yes.
Comment: Published functional studies of F59L demonstrate a significant decrease of enzyme activity (Ohno et al., 2015); Not observed at a significant frequency in large population cohorts (gnomAD); In silico analysis supports that this missense variant has a deleterious effect on protein structure/function; This variant is associated with the following publications: (PMID: 31168818, 16436457, 31130284, 33067036, 26056268)

Baylor Genetics
Classification: Pathogenic for Autosomal recessive congenital ichthyosis 5. Last evaluated: 2020-01-15. Review status: criteria provided, single submitter. Criteria: ACMG Guidelines, 2015. Collection method: clinical testing. Allele origin: unknown. Affected: yes.
Comment: This variant was determined to be pathogenic according to ACMG Guidelines, 2015 [PMID:25741868].

Hadassah Hebrew University Medical Center
Classification: Likely pathogenic for Ichthyosis, congenital, autosomal recessive 5. Last evaluated: 2019-06-20. Review status: criteria provided, single submitter. Criteria: ACMG Guidelines, 2015. Collection method: clinical testing. Allele origin: germline. Affected: yes.

Biochemical Molecular Genetic Laboratory, King Abdulaziz Medical City
Classification: Pathogenic for Autosomal recessive congenital ichthyosis 5. Last evaluated: 2020-02-05. Review status: no assertion criteria provided. Collection method: clinical testing. Allele origin: germline. Affected: yes. Not counted in ClinVar's aggregate classification.

Institute for Human Genetics, University Medical Center Freiburg
Classification: Pathogenic for Autosomal recessive congenital ichthyosis 5. Last evaluated: 2018-04-23. Review status: no assertion criteria provided. Collection method: clinical testing. Allele origin: germline. Affected: yes. Not counted in ClinVar's aggregate classification.

Literature cited by the submitters: PubMed 31642606 (cited by Women's Health and Genetics/Laboratory Corporation of America, LabCorp); PubMed 16436457 (cited by Women's Health and Genetics/Laboratory Corporation of America, LabCorp and Institute for Human Genetics, University Medical Center Freiburg); PubMed 26056268 (cited by Women's Health and Genetics/Laboratory Corporation of America, LabCorp); PubMed 33786896 (cited by Women's Health and Genetics/Laboratory Corporation of America, LabCorp); PubMed 33223529 (cited by Hadassah Hebrew University Medical Center).